The following is an entry in ClinVar:

NM_001354604.2(MITF):c.488A>C (p.Gln163Pro)

Gene: MITF (melanocyte inducing transcription factor; plus strand). Cytogenetic location: 3p13.
Variant type: single nucleotide variant.
Coding change: c.488A>C on transcript NM_001354604.2 (MANE Select); coding-DNA position 488, A replaced by C.
Protein change: p.Gln163Pro; replaces glutamine 163 with proline.
Molecular consequence: missense variant. On other transcripts: intron variant (1).
Genome position (GRCh38, 1-based): chr3:69,937,955, A>C. VCF-style: chr3-69937955-A-C. GRCh37 (hg19) VCF-style: chr3-69987106-A-C.
Other names: c.93+74A>C (NM_198178.3); c.332A>C, p.Gln111Pro (NM_001184967.2, NM_001354608.2); c.167A>C, p.Gln56Pro (NM_001184968.2, NM_198158.3, NM_000248.4); c.485A>C, p.Gln162Pro (NM_001354605.2, NM_001354606.2, NM_006722.3); c.437A>C, p.Gln146Pro (NM_001354607.2); c.488A>C, p.Gln163Pro (NM_198159.3); c.440A>C, p.Gln147Pro (NM_198177.3); short protein forms Q111P, Q146P, Q147P, Q162P, Q163P, Q56P.
Identifiers: ClinVar variation 2661923 (VCV002661923.5), dbSNP rs780834582, ClinGen allele CA2490362.
Genomic context (GRCh38, chr3:69,937,955, plus strand): 5'-TTTCTACCACTTTAGCAAATAAACATGCCAACCAAGTCCTGAGCTTGCCATGTCCAAACC[A>C]GCCTGGCGATCATGTCATGCCACCGGTGCCGGGGAGCAGCGCACCCAACAGCCCCATGGC-3'
Protein context (NP_001341533.1, residues 153-173): NQVLSLPCPN[Gln163Pro]PGDHVMPPVP

ClinVar aggregate classification (germline): Uncertain significance. Review status: criteria provided, multiple submitters, no conflicts (2 of 4 stars). 3 submissions from 3 submitters: Uncertain significance (3). Last evaluated 2026-08-09.

Conditions:
MITF-related disorder. Also called: MITF-related condition.
Tietz syndrome (TADS). Also called: ALBINISM-DEAFNESS OF TIETZ; HYPOPIGMENTATION/DEAFNESS OF TIETZ; TIETZ ALBINISM-DEAFNESS SYNDROME. Identifiers: Orphanet 42665, MedGen C0391816, MONDO:0007077, OMIM 103500.
Waardenburg syndrome type 2A (WS2A). Also called: WAARDENBURG SYNDROME WITHOUT DYSTOPIA CANTHORUM. Identifiers: Orphanet 3440, MedGen C1860339, MONDO:0008671, OMIM 193510.
Melanoma, cutaneous malignant, susceptibility to, 8. Also called: MELANOMA AND RENAL CELL CARCINOMA, SUSCEPTIBILITY TO; Cutaneous malignant melanoma 8. Identifiers: Orphanet 293822, MedGen C3152204, MONDO:0013759, OMIM 614456.

Allele frequency attached by ClinVar (database versions not stated): gnomAD exomes 0.00001; ExAC 0.00002; TOPMed 0.00004.
gnomAD v4.1: 8 of 1,614,186 alleles (0.0005%); highest among the groups gnomAD compares: Admixed American, 0.013%; no homozygotes.

Submissions (3):

PreventionGenetics, part of Exact Sciences
Classification: Uncertain significance for MITF-related condition. Last evaluated: 2026-08-09. Review status: criteria provided, single submitter. Criteria: ACMG Guidelines, 2015. Collection method: clinical testing. Allele origin: germline.
Comment: The MITF c.167A>C variant is predicted to result in the amino acid substitution p.Gln56Pro. To our knowledge, this variant has not been reported in the literature. This variant is reported in 0.023% of alleles in individuals of Latino descent in gnomAD. At this time, the clinical significance of this variant is uncertain due to the absence of conclusive functional and genetic evidence.

Labcorp Genetics (formerly Invitae), Labcorp
Classification: Uncertain significance for Melanoma, cutaneous malignant, susceptibility to, 8; Waardenburg syndrome type 2A; Tietz syndrome. Last evaluated: 2025-08-13. Review status: criteria provided, single submitter. Criteria: Invitae Variant Classification Sherloc (09022015). Collection method: clinical testing. Allele origin: germline.
Comment: This sequence change replaces glutamine, which is neutral and polar, with proline, which is neutral and non-polar, at codon 56 of the MITF protein (p.Gln56Pro). This variant is present in population databases (rs780834582, gnomAD 0.02%). This variant has not been reported in the literature in individuals affected with MITF-related conditions. ClinVar contains an entry for this variant (Variation ID: 2661923). Invitae Evidence Modeling of protein sequence and biophysical properties (such as structural, functional, and spatial information, amino acid conservation, physicochemical variation, residue mobility, and thermodynamic stability) indicates that this missense variant is not expected to disrupt MITF protein function with a negative predictive value of 80%. In summary, the available evidence is currently insufficient to determine the role of this variant in disease. Therefore, it has been classified as a Variant of Uncertain Significance.

GeneDx
Classification: Uncertain significance. Last evaluated: 2023-12-14. Review status: criteria provided, single submitter. Criteria: GeneDx Variant Classification Process June 2021. Collection method: clinical testing. Allele origin: germline.
Comment: In silico analysis supports that this missense variant does not alter protein structure/function; Has not been previously published as pathogenic or benign to our knowledge